The following is an entry in ClinVar:

ClinVar aggregate classification (germline): Uncertain significance. Review status: criteria provided, multiple submitters, no conflicts (2 of 4 stars). 2 submissions from 2 submitters: Uncertain significance (2). Last evaluated 2025-06-01.

Conditions:
Hereditary cancer-predisposing syndrome. Also called: Hereditary neoplastic syndrome; Tumor predisposition; Neoplastic Syndromes, Hereditary; Hereditary Cancer Syndrome. Identifiers: Orphanet 140162, MedGen C0027672, MeSH D009386, MONDO:0015356.
Tuberous sclerosis 2 (TSC2). Identifiers: Orphanet 805, MedGen C1860707, MONDO:0013199, OMIM 613254.

Submissions (2):

Labcorp Genetics (formerly Invitae), Labcorp
Classification: Uncertain significance for Tuberous sclerosis 2. Last evaluated: 2025-06-01. Review status: criteria provided, single submitter. Criteria: Invitae Variant Classification Sherloc (09022015). Collection method: clinical testing. Allele origin: germline.
Comment: This sequence change replaces serine, which is neutral and polar, with glycine, which is neutral and non-polar, at codon 1448 of the TSC2 protein (p.Ser1448Gly). This variant is not present in population databases (gnomAD no frequency). This variant has not been reported in the literature in individuals affected with TSC2-related conditions. ClinVar contains an entry for this variant (Variation ID: 859891). Invitae Evidence Modeling of protein sequence and biophysical properties (such as structural, functional, and spatial information, amino acid conservation, physicochemical variation, residue mobility, and thermodynamic stability) indicates that this missense variant is not expected to disrupt TSC2 protein function with a negative predictive value of 95%. In summary, the available evidence is currently insufficient to determine the role of this variant in disease. Therefore, it has been classified as a Variant of Uncertain Significance.

Ambry Genetics
Classification: Uncertain significance for Hereditary cancer-predisposing syndrome. Last evaluated: 2022-09-19. Review status: criteria provided, single submitter. Criteria: Ambry Variant Classification Scheme 2023. Collection method: clinical testing. Allele origin: germline.
Comment: The p.S1448G variant (also known as c.4342A>G), located in coding exon 33 of the TSC2 gene, results from an A to G substitution at nucleotide position 4342. The serine at codon 1448 is replaced by glycine, an amino acid with similar properties. This amino acid position is conserved. In addition, the in silico prediction for this alteration is inconclusive. Since supporting evidence is limited at this time, the clinical significance of this alteration remains unclear.

NM_000548.5(TSC2):c.4342A>G (p.Ser1448Gly)

Gene: TSC2 (TSC complex subunit 2; plus strand). Cytogenetic location: 16p13.3.
Variant type: single nucleotide variant.
Coding change: c.4342A>G on transcript NM_000548.5 (MANE Select); coding-DNA position 4342, A replaced by G.
Protein change: p.Ser1448Gly; replaces serine 1448 with glycine.
Molecular consequence: missense variant.
Genome position (GRCh38, 1-based): chr16:2,084,564, A>G. VCF-style: chr16-2084564-A-G. GRCh37 (hg19) VCF-style: chr16-2134565-A-G.
Other names: c.4210A>G, p.Ser1404Gly (NM_001370404.1); c.4213A>G, p.Ser1405Gly (NM_001370405.1, NM_021055.3); c.4141A>G, p.Ser1381Gly (NM_001077183.3); c.4273A>G, p.Ser1425Gly (NM_001114382.3); c.4033A>G, p.Ser1345Gly (NM_001318827.2); c.3997A>G, p.Ser1333Gly (NM_001318829.2); c.3610A>G, p.Ser1204Gly (NM_001318831.2); c.4174A>G, p.Ser1392Gly (NM_001318832.2); and 1 more; short protein forms S1345G, S1381G, S1204G, S1382G, S1392G, S1405G, S1333G, S1404G.
Identifiers: ClinVar variation 859891 (VCV000859891.12), dbSNP rs2090523420, ClinGen allele CA394301499.